The following is an entry in ClinVar:

ClinVar aggregate classification (germline): Pathogenic (1 of 4 stars; one submission).

Conditions:
Tuberous sclerosis 2 (TSC2). Identifiers: Orphanet 805, MedGen C1860707, MONDO:0013199, OMIM 613254.

Submission:

Labcorp Genetics (formerly Invitae), Labcorp
Classification: Pathogenic for Tuberous sclerosis 2. Last evaluated: 2020-10-21. Review status: criteria provided, single submitter. Criteria: Invitae Variant Classification Sherloc (09022015). Collection method: clinical testing. Allele origin: germline.
Comment: This sequence change creates a premature translational stop signal (p.Leu762*) in the TSC2 gene. It is expected to result in an absent or disrupted protein product. Loss-of-function variants in TSC2 are known to be pathogenic (PMID: 10205261, 17304050). For these reasons, this variant has been classified as Pathogenic. This variant has not been reported in the literature in individuals with TSC2-related conditions. This variant is not present in population databases (ExAC no frequency).

Literature cited by the submitters: PubMed 10205261; PubMed 17304050.

NM_000548.5(TSC2):c.2285T>A (p.Leu762Ter)

Gene: TSC2 (TSC complex subunit 2; plus strand). Cytogenetic location: 16p13.3.
Variant type: single nucleotide variant.
Coding change: c.2285T>A on transcript NM_000548.5 (MANE Select); coding-DNA position 2285, T replaced by A.
Protein change: p.Leu762Ter; replaces leucine 762 with a stop codon.
Molecular consequence: nonsense.
Genome position (GRCh38, 1-based): chr16:2,072,913, T>A. VCF-style: chr16-2072913-T-A. GRCh37 (hg19) VCF-style: chr16-2122914-T-A.
Other names: c.2285T>A, p.Leu762Ter (NM_001077183.3, NM_001114382.3, NM_001363528.2 and 3 more transcripts); c.2174T>A, p.Leu725Ter (NM_001318827.2); c.2138T>A, p.Leu713Ter (NM_001318829.2); c.1685T>A, p.Leu562Ter (NM_001318831.2); c.2318T>A, p.Leu773Ter (NM_001318832.2); short protein forms L562*, L713*, L725*, L762*, L773*.
Identifiers: ClinVar variation 1072814 (VCV001072814.7), dbSNP rs2151327516, ClinGen allele CA394276579.